The following is an entry in ClinVar:

NM_024334.3(TMEM43):c.-12C>T

Gene: TMEM43 (transmembrane protein 43; plus strand). Cytogenetic location: 3p25.1.
Variant type: single nucleotide variant.
Coding change: c.-12C>T on transcript NM_024334.3 (MANE Select); 12 bases upstream of the start codon, C replaced by T.
Molecular consequence: 5 prime UTR variant.
Genome position (GRCh38, 1-based): chr3:14,125,182, C>T. VCF-style: chr3-14125182-C-T. GRCh37 (hg19) VCF-style: chr3-14166682-C-T.
Other names: c.-12C>T (NM_001407274.1, NM_001407275.1, NM_001407276.1 and 4 more transcripts).
Identifiers: ClinVar variation 3073561 (VCV003073561.1), dbSNP rs1172320846, ClinGen allele CA899773813.
Genomic context (GRCh38, chr3:14,125,182, plus strand): 5'-CACCACGCTCCAGTCGTCAGCCCACTTCCTAGCTGAACAGCGCGAGGCGGCGGCAGCGAG[C>T]CGGGTCCCACCATGGCCGCGAATGTGAGTATCCCCGGGCCAGCCGGGCCACACCCAGGCT-3'

ClinVar aggregate classification (germline): Uncertain significance (1 of 4 stars; one submission).

Conditions:
Arrhythmogenic right ventricular dysplasia 5. Also called: Arrhythmogenic Right Ventricular Dysplasia/Cardiomyopathy 5; ARRHYTHMOGENIC RIGHT VENTRICULAR DYSPLASIA, FAMILIAL, 5. Identifiers: MedGen C1858379, MONDO:0011459, OMIM 604400.

Allele frequency attached by ClinVar (database versions not stated): gnomAD exomes below 0.00001; TOPMed below 0.00001; gnomAD 0.00001.
gnomAD v4.1: 2 of 1,610,026 alleles (0.00012%); highest among the groups gnomAD compares: East Asian, 0.0022%; no homozygotes.

Submission:

All of Us Research Program, National Institutes of Health
Classification: Uncertain significance for Arrhythmogenic right ventricular dysplasia 5. Last evaluated: 2023-10-02. Review status: criteria provided, single submitter. Criteria: ACMG Guidelines, 2015. Collection method: clinical testing. Allele origin: germline. Inheritance: Autosomal dominant inheritance. Observed: 1 variant allele, 1 heterozygote.
Comment: This variant changes 1 nucleotide in the 5' untranslated region in the TMEM43 gene. To our knowledge, functional studies have not been reported for this variant. This variant has not been reported in individuals affected with cardiovascular disorders in the literature. This variant has not been identified in the general population by the Genome Aggregation Database (gnomAD). The available evidence is insufficient to determine the role of this variant in disease conclusively. Therefore, this variant is classified as a Variant of Uncertain Significance.

This study involves interpretation of variants in research participants for the purpose of population health screening. Participant phenotype was not available at the time of variant classification. Additional details can be found in publication PMID: 35346344, PMCID: PMC8962531